The following is an entry in ClinVar:

ClinVar aggregate classification (germline): Conflicting classifications of pathogenicity. Review status: criteria provided, conflicting classifications (1 of 4 stars). 8 submissions from 8 submitters: Pathogenic (2); Likely pathogenic (3); Uncertain significance (1). 2 of the submissions do not count toward it. Last evaluated 2026-08-26.

Conditions:
Monogenic hearing loss.
Autosomal recessive nonsyndromic hearing loss 84A. Also called: DEAFNESS, AUTOSOMAL RECESSIVE 84A; DEAFNESS, AUTOSOMAL RECESSIVE 84A, WITH VESTIBULAR DYSFUNCTION. Identifiers: Orphanet 90636, MedGen C3150654, MONDO:0013249, OMIM 613391.
PTPRQ-related disorder. Also called: PTPRQ-related condition.

Allele frequency attached by ClinVar (database versions not stated): TOPMed 0.00002; gnomAD exomes 0.00004; gnomAD 0.00007.
gnomAD v4.1: 45 of 1,551,076 alleles (0.0029%); highest among the groups gnomAD compares: Non-Finnish European, 0.0039%; 1 homozygote.

Submissions (8):

PreventionGenetics, part of Exact Sciences
Classification: Likely pathogenic for PTPRQ-related condition. Last evaluated: 2026-08-26. Review status: criteria provided, single submitter. Criteria: ACMG Guidelines, 2015. Collection method: clinical testing. Allele origin: germline.
Comment: The PTPRQ c.6556C>T variant is predicted to result in premature protein termination (p.Arg2186*). To our knowledge, this variant has not been reported in the literature. This variant is reported in 0.010% of alleles in individuals of European (Non-Finnish) descent in gnomAD. Nonsense variants in PTPRQ are expected to be pathogenic. This variant is interpreted as likely pathogenic.

Genetics Laboratory, Great Ormond Street Hospital NHS Foundation Trust, North Thames Genomic Laboratory Hub
Classification: Pathogenic for Monogenic hearing loss. Last evaluated: 2026-02-05. Review status: criteria provided, single submitter. Criteria: ACGS Best Practice Guidelines for Variant Classification in Rare Disease 2024 v1.2. Collection method: clinical testing. Allele origin: germline. Affected: yes.
Comment: PM2_supporting, PVS1_very-strong, PM3_moderate

Institute of Rare Diseases, West China Hospital, Sichuan University
Classification: Pathogenic for Autosomal recessive nonsyndromic hearing loss 84A. Last evaluated: 2025-01-09. Review status: criteria provided, single submitter. Criteria: ClinGen HL ACMG Specifications v1. Collection method: research. Allele origin: germline. Affected: yes.
Comment: PVS1;PM3_Supporting;PM2_Supporting

GeneDx
Classification: Uncertain significance. Last evaluated: 2022-08-30. Review status: criteria provided, single submitter. Criteria: GeneDx Variant Classification Process June 2021. Collection method: clinical testing. Allele origin: germline. Affected: yes.
Comment: Nonsense variant predicted to result in protein truncation or nonsense mediated decay in a gene for which loss of function is a known mechanism of disease; Has not been previously published as pathogenic or benign to our knowledge

Blueprint Genetics
Classification: Likely pathogenic for PTPRQ-related disorders. Last evaluated: 2022-02-09. Review status: criteria provided, single submitter. Criteria: ACMG Guidelines, 2015. Collection method: clinical testing. Allele origin: germline. Affected: yes. Observed: 1 variant allele.

Juno Genomics, Hangzhou Juno Genomics, Inc
Classification: Likely pathogenic for Autosomal recessive nonsyndromic hearing loss 84A. Review status: criteria provided, single submitter. Criteria: ACMG Guidelines, 2015. Collection method: clinical testing. Allele origin: germline. Affected: yes.
Comment: Absent from controls (or at extremely low frequency if recessive) in Genome Aggregation Database, Exome Sequencing Project, 1000 Genomes Project, or Exome Aggregation Consortium.;Null variant in a gene where loss of function (LOF) is a known mechanism of disease.

Clinical Genetics DNA and cytogenetics Diagnostics Lab, Erasmus MC, Erasmus Medical Center
Classification: Pathogenic. Review status: no assertion criteria provided. Collection method: clinical testing. Allele origin: germline. Affected: yes. Study: VKGL Data-share Consensus. Not counted in ClinVar's aggregate classification.

Joint Genome Diagnostic Labs from Nijmegen and Maastricht, Radboudumc and MUMC+
Classification: Pathogenic. Review status: no assertion criteria provided. Collection method: clinical testing. Allele origin: germline. Affected: yes. Study: VKGL Data-share Consensus. Not counted in ClinVar's aggregate classification.

NM_001145026.2(PTPRQ):c.6556C>T (p.Arg2186Ter)

Gene: PTPRQ (protein tyrosine phosphatase receptor type Q; plus strand). Cytogenetic location: 12q21.31.
Variant type: single nucleotide variant.
Coding change: c.6556C>T on transcript NM_001145026.2 (MANE Select); coding-DNA position 6556, C replaced by T.
Protein change: p.Arg2186Ter; replaces arginine 2186 with a stop codon.
Molecular consequence: nonsense.
Genome position (GRCh38, 1-based): chr12:80,670,446, C>T. VCF-style: chr12-80670446-C-T. GRCh37 (hg19) VCF-style: chr12-81064225-C-T.
Other names: c.6556C>T (NM_001145026.1); short protein forms R2186*.
Identifiers: ClinVar variation 1297697 (VCV001297697.10), dbSNP rs933245871, ClinGen allele CA240619144.
Genomic context (GRCh38, chr12:80,670,446, plus strand): 5'-TGGCCAGAGCATGGGGTTCCTGAGAACAGCGCCCCTCTAATTCACTTTGTGAAGTTGGTT[C>T]GAGCAAGCAGGGCACATGACACCACACCTATGATTGTTCACTGCAGGTGAGAAAGTGATC-3'